The following is an entry in ClinVar:

NM_001165963.4(SCN1A):c.4477-1C>T

Genes: SCN1A (sodium voltage-gated channel alpha subunit 1; minus strand), LOC102724058 (uncharacterized LOC102724058; plus strand). Cytogenetic location: 2q24.3.
Variant type: single nucleotide variant.
Coding change: c.4477-1C>T on transcript NM_001165963.4 (MANE Select); the canonical splice acceptor site of the intron before coding-DNA position 4477, C replaced by T.
Molecular consequence: splice acceptor variant.
Genome position (GRCh38, 1-based): chr2:165,996,118, G>A on the plus strand (C>T on the coding strand, the complement: SCN1A is on the minus strand). VCF-style: chr2-165996118-G-A. GRCh37 (hg19) VCF-style: chr2-166852628-G-A.
Other names: c.4444-1C>T (NM_001353949.2, NM_001353950.2, NM_001353951.2 and 2 more transcripts); c.4393-1C>T (NM_001353958.2, NM_001353957.2, NM_001165964.3); c.4477-1C>T (NM_001202435.3, NM_001353948.2); c.4441-1C>T (NM_001353955.2, NM_001353954.2); c.4390-1C>T (NM_001353960.2); c.2035-1C>T (NM_001353961.2).
Identifiers: ClinVar variation 530456 (VCV000530456.10), dbSNP rs1553521567, ClinGen allele CA349048925.

ClinVar aggregate classification (germline): Pathogenic. Review status: criteria provided, multiple submitters, no conflicts (2 of 4 stars). 3 submissions from 3 submitters: Pathogenic (3). Last evaluated 2025-01-31.

Conditions:
Generalized epilepsy with febrile seizures plus, type 2 (GEFSP2). Also called: GEFS+, TYPE 2. Identifiers: Orphanet 36387, MedGen C1858673, MONDO:0011461, OMIM 604403.
Early-infantile DEE. Also called: Early infantile epileptic encephalopathy; Ohtahara syndrome; Early infantile epileptic encephalopathy with suppression bursts. Identifiers: Orphanet 1934, MedGen C0393706, MONDO:0800491.

Submissions (3):

GeneDx
Classification: Pathogenic. Last evaluated: 2025-01-31. Review status: criteria provided, single submitter. Criteria: GeneDx Variant Classification Process June 2021. Collection method: clinical testing. Allele origin: germline. Affected: yes.
Comment: Reported individuals with epilepsy in published literature (PMID: 31440721, 36801247); Canonical splice site variant predicted to result in an in-frame loss of the adjacent exon in a gene for which loss of function is a known mechanism of disease; Not observed at significant frequency in large population cohorts (gnomAD); This variant is associated with the following publications: (PMID: 31440721, 36480001, 36801247)

Labcorp Genetics (formerly Invitae), Labcorp
Classification: Pathogenic for Early-infantile DEE. Last evaluated: 2022-10-04. Review status: criteria provided, single submitter. Criteria: Invitae Variant Classification Sherloc (09022015). Collection method: clinical testing. Allele origin: germline.
Comment: For these reasons, this variant has been classified as Pathogenic. Algorithms developed to predict the effect of sequence changes on RNA splicing suggest that this variant may disrupt the consensus splice site. ClinVar contains an entry for this variant (Variation ID: 530456). Disruption of this splice site has been observed in individual(s) with infantile onset myoclonic epilepsy (Invitae). In at least one individual the variant was observed to be de novo. This variant is not present in population databases (gnomAD no frequency). This sequence change affects an acceptor splice site in intron 23 of the SCN1A gene. It is expected to disrupt RNA splicing. Variants that disrupt the donor or acceptor splice site typically lead to a loss of protein function (PMID: 16199547), and loss-of-function variants in SCN1A are known to be pathogenic (PMID: 17347258, 18930999).

Neuberg Centre For Genomic Medicine, NCGM
Classification: Pathogenic for Generalized epilepsy with febrile seizures plus, type 2. Review status: criteria provided, single submitter. Criteria: ACMG Guidelines, 2015. Collection method: clinical testing. Allele origin: germline. Affected: yes.
Comment: This sequence change affects an acceptor splice site in intron 23 of the SCN1A gene. It is expected to disrupt RNA splicing and likely results in an absent or disrupted protein product. This variant has been reported to be de novo in an individuals affected with infantile onset myoclonic epilepsy. Donor and acceptor splice site variants typically lead to a loss of protein function (Baralle, D et al), and loss-of-function variants in SCN1A are known to be pathogenic (Depienne C et al, Harkin LA et al). The variant is reported in ClinVar as pathogenic. The variant is novel (not in any individuals) in 1000 Genomes and in gnomAD. The nucleotide change in SCN1A is predicted as conserved by GERP++ and PhyloP across 100 vertebrates. For these reasons, this variant has been classified as Pathogenic.

Literature cited by the submitters: PubMed 16199547 (cited by Labcorp Genetics (formerly Invitae), Labcorp); PubMed 17347258 (cited by Labcorp Genetics (formerly Invitae), Labcorp); PubMed 18930999 (cited by Labcorp Genetics (formerly Invitae), Labcorp).